The following is an entry in ClinVar:

NM_020937.4(FANCM):c.4603G>C (p.Glu1535Gln)

Gene: FANCM (FA complementation group M; plus strand). Cytogenetic location: 14q21.2.
Variant type: single nucleotide variant.
Coding change: c.4603G>C on transcript NM_020937.4 (MANE Select); coding-DNA position 4603, G replaced by C.
Protein change: p.Glu1535Gln; replaces glutamic acid 1535 with glutamine.
Molecular consequence: missense variant.
Genome position (GRCh38, 1-based): chr14:45,185,304, G>C. VCF-style: chr14-45185304-G-C. GRCh37 (hg19) VCF-style: chr14-45654507-G-C.
Other names: c.4525G>C, p.Glu1509Gln (NM_001308133.2); short protein forms E1535Q, E1509Q.
Identifiers: ClinVar variation 2041624 (VCV002041624.4), dbSNP rs372434657, ClinGen allele CA389608258.

ClinVar aggregate classification (germline): Uncertain significance (1 of 4 stars; one submission).

Conditions:
Fanconi anemia (FA). Also called: Fanconi's anemia. Identifiers: Orphanet 84, MedGen C0015625, MeSH D005199, MONDO:0019391.

Submission:

Labcorp Genetics (formerly Invitae), Labcorp
Classification: Uncertain significance for Fanconi anemia. Last evaluated: 2022-06-08. Review status: criteria provided, single submitter. Criteria: Invitae Variant Classification Sherloc (09022015). Collection method: clinical testing. Allele origin: germline.
Comment: In summary, the available evidence is currently insufficient to determine the role of this variant in disease. Therefore, it has been classified as a Variant of Uncertain Significance. Algorithms developed to predict the effect of missense changes on protein structure and function are either unavailable or do not agree on the potential impact of this missense change (SIFT: "Tolerated"; PolyPhen-2: "Possibly Damaging"; Align-GVGD: "Class C0"). This variant has not been reported in the literature in individuals affected with FANCM-related conditions. This variant is not present in population databases (gnomAD no frequency). This sequence change replaces glutamic acid, which is acidic and polar, with glutamine, which is neutral and polar, at codon 1535 of the FANCM protein (p.Glu1535Gln).